The following is an entry in ClinVar:

ClinVar aggregate classification (germline): Uncertain significance. Review status: criteria provided, multiple submitters, no conflicts (2 of 4 stars). 2 submissions from 2 submitters: Uncertain significance (2). Last evaluated 2025-06-09.

Conditions:
Cardiomyopathy (CMYO). Also called: Cardiomyopathies. Identifiers: Orphanet 167848, MedGen C0878544, MONDO:0004994, HP:0001638. Inheritance: Various modes of inheritance.
Hypertrophic cardiomyopathy. Also called: HYPERTROPHIC MYOCARDIOPATHY. Identifiers: Orphanet 217569, MedGen C0007194, MeSH D002312, MONDO:0005045, HP:0001639.

Submissions (2):

Color Diagnostics, LLC DBA Color Health
Classification: Uncertain significance for Cardiomyopathy. Last evaluated: 2025-06-09. Review status: criteria provided, single submitter. Criteria: ACMG Guidelines, 2015. Collection method: clinical testing. Allele origin: germline.
Comment: This missense variant replaces glutamic acid with lysine at codon 875 of the MYH7 protein. This variant is found within a highly conserved region of the myosin head domain. Missense variants in this region have been shown to be significantly overrepresented in individuals with affected with hypertrophic cardiomyopathy (PMID: 27532257). Computational prediction suggests that this variant may have a deleterious impact on protein structure and function. To our knowledge, functional studies have not been reported for this variant. This variant has not been reported in individuals affected with MYH7-related disorders in the literature. This variant has not been identified in the general population by the Genome Aggregation Database (gnomAD). The available evidence is insufficient to determine the role of this variant in disease conclusively. Therefore, this variant is classified as a Variant of Uncertain Significance.

Labcorp Genetics (formerly Invitae), Labcorp
Classification: Uncertain significance for Hypertrophic cardiomyopathy. Last evaluated: 2022-07-29. Review status: criteria provided, single submitter. Criteria: Invitae Variant Classification Sherloc (09022015). Collection method: clinical testing. Allele origin: germline.
Comment: In summary, the available evidence is currently insufficient to determine the role of this variant in disease. Therefore, it has been classified as a Variant of Uncertain Significance. This variant is found within a region of MYH7 between codons 181 and 937 that contains the majority of the myosin head domain. Missense variants in this region have been shown to be significantly overrepresented in individuals with hypertrophic cardiomyopathy (PMID: 27532257). Algorithms developed to predict the effect of missense changes on protein structure and function (SIFT, PolyPhen-2, Align-GVGD) all suggest that this variant is likely to be disruptive. This variant has not been reported in the literature in individuals affected with MYH7-related conditions. This variant is not present in population databases (gnomAD no frequency). This sequence change replaces glutamic acid, which is acidic and polar, with lysine, which is basic and polar, at codon 875 of the MYH7 protein (p.Glu875Lys).

Literature cited by the submitters: PubMed 27532257 (cited by Color Diagnostics, LLC DBA Color Health and Labcorp Genetics (formerly Invitae), Labcorp).

NM_000257.4(MYH7):c.2623G>A (p.Glu875Lys)

Genes: MYH7 (myosin heavy chain 7; minus strand), LOC126861898 (BRD4-independent group 4 enhancer GRCh37_chr14:23893609-23894808; plus strand). Cytogenetic location: 14q11.2.
Variant type: single nucleotide variant.
Coding change: c.2623G>A on transcript NM_000257.4 (MANE Select); coding-DNA position 2623, G replaced by A.
Protein change: p.Glu875Lys; replaces glutamic acid 875 with lysine.
Molecular consequence: missense variant.
Genome position (GRCh38, 1-based): chr14:23,424,825, C>T on the plus strand (G>A on the coding strand, the complement: MYH7 is on the minus strand). VCF-style: chr14-23424825-C-T. GRCh37 (hg19) VCF-style: chr14-23894034-C-T.
Other names: c.2623G>A, p.Glu875Lys (NM_001407004.1); short protein forms E875K.
Identifiers: ClinVar variation 2020194 (VCV002020194.5), dbSNP rs2502283216, ClinGen allele CA389047974.